The following is an entry in ClinVar:

NM_006493.4(CLN5):c.340-1G>C

Gene: CLN5 (CLN5 lysosomal BMP synthase; plus strand). Cytogenetic location: 13q22.3.
Variant type: single nucleotide variant.
Coding change: c.340-1G>C on transcript NM_006493.4 (MANE Select); the canonical splice acceptor site of the intron before coding-DNA position 340, G replaced by C.
Molecular consequence: splice acceptor variant.
Genome position (GRCh38, 1-based): chr13:76,995,901, G>C. VCF-style: chr13-76995901-G-C. GRCh37 (hg19) VCF-style: chr13-77570036-G-C.
Other names: c.340-1G>C (NM_001366624.2).
Identifiers: ClinVar variation 2973666 (VCV002973666.3), dbSNP rs2034257020, ClinGen allele CA388308552.

ClinVar aggregate classification (germline): Likely pathogenic (1 of 4 stars; one submission).

Conditions:
Neuronal ceroid lipofuscinosis. Also called: Neuronal Ceroid Lipofuscinoses. Identifiers: Orphanet 216, Orphanet 79263, MedGen C0027877, MONDO:0016295. Disease mechanism: loss of function.

Allele frequency attached by ClinVar (database versions not stated): TOPMed below 0.00001.

Submission:

Labcorp Genetics (formerly Invitae), Labcorp
Classification: Likely pathogenic for Neuronal ceroid lipofuscinosis. Last evaluated: 2023-08-19. Review status: criteria provided, single submitter. Criteria: Invitae Variant Classification Sherloc (09022015). Collection method: clinical testing. Allele origin: germline.
Comment: This variant is not present in population databases (gnomAD no frequency). In summary, the currently available evidence indicates that the variant is pathogenic, but additional data are needed to prove that conclusively. Therefore, this variant has been classified as Likely Pathogenic. Algorithms developed to predict the effect of sequence changes on RNA splicing suggest that this variant may disrupt the consensus splice site. This variant has not been reported in the literature in individuals affected with CLN5-related conditions. This sequence change affects an acceptor splice site in intron 2 of the CLN5 gene. It is expected to disrupt RNA splicing. Variants that disrupt the donor or acceptor splice site typically lead to a loss of protein function (PMID: 16199547), and loss-of-function variants in CLN5 are known to be pathogenic (PMID: 20157158).

Literature cited by the submitters: PubMed 16199547; PubMed 20157158.